The following is an entry in ClinVar:

NM_003114.5(SPAG1):c.2136_2139del (p.Asp713fs)

Gene: SPAG1 (sperm associated antigen 1; plus strand). Cytogenetic location: 8q22.2.
Variant type: Deletion.
Coding change: c.2136_2139del on transcript NM_003114.5 (MANE Select); coding-DNA positions 2136 to 2139, 4 bases deleted (TGAT; older notation c.2136_2139delTGAT).
Protein change: p.Asp713fs; shifts the reading frame from aspartic acid 713.
Molecular consequence: frameshift variant.
Genome position (GRCh38, 1-based): chr8:100,239,260-100,239,263, TGAT deleted; deleting any 4 consecutive bases within chr8:100,239,258-100,239,263 gives the same sequence; the c. name uses the placement nearest the transcript's 3' end. VCF-style (leftmost placement, unchanged base first): chr8-100239257-AATTG-A. GRCh37 (hg19) VCF-style: chr8-101251485-AATTG-A.
Other names: c.2136_2139del, p.Asp713fs (NM_001374321.1, NM_172218.3); short protein forms D713fs.
Identifiers: ClinVar variation 1442364 (VCV001442364.6), dbSNP rs2132442885, ClinGen allele CA2573142693.

ClinVar aggregate classification (germline): Pathogenic (1 of 4 stars; one submission).

Conditions:
Primary ciliary dyskinesia 28. Also called: CILIARY DYSKINESIA, PRIMARY, 28, WITH OR WITHOUT SITUS INVERSUS. Identifiers: Orphanet 244, MedGen C3809706, MONDO:0014216, OMIM 615505.

Submission:

Labcorp Genetics (formerly Invitae), Labcorp
Classification: Pathogenic for Primary ciliary dyskinesia 28. Last evaluated: 2021-11-07. Review status: criteria provided, single submitter. Criteria: Invitae Variant Classification Sherloc (09022015). Collection method: clinical testing. Allele origin: germline.
Comment: For these reasons, this variant has been classified as Pathogenic. This variant has not been reported in the literature in individuals affected with SPAG1-related conditions. This variant is not present in population databases (gnomAD no frequency). This sequence change creates a premature translational stop signal (p.Asp713Serfs*7) in the SPAG1 gene. It is expected to result in an absent or disrupted protein product. Loss-of-function variants in SPAG1 are known to be pathogenic (PMID: 24055112).

Literature cited by the submitters: PubMed 24055112.